The following is an entry in ClinVar:

NM_000393.5(COL5A2):c.3019C>T (p.Pro1007Ser)

Gene: COL5A2 (collagen type V alpha 2 chain; minus strand). Cytogenetic location: 2q32.2.
Variant type: single nucleotide variant.
Coding change: c.3019C>T on transcript NM_000393.5 (MANE Select); coding-DNA position 3019, C replaced by T.
Protein change: p.Pro1007Ser; replaces proline 1007 with serine.
Molecular consequence: missense variant.
Genome position (GRCh38, 1-based): chr2:189,050,589, G>A on the plus strand (C>T on the coding strand, the complement: COL5A2 is on the minus strand). VCF-style: chr2-189050589-G-A. GRCh37 (hg19) VCF-style: chr2-189915315-G-A.
Other names: short protein forms P1007S.
Identifiers: ClinVar variation 853007 (VCV000853007.12), dbSNP rs1388564782, ClinGen allele CA349866871.

ClinVar aggregate classification (germline): Conflicting classifications of pathogenicity. Review status: criteria provided, conflicting classifications (1 of 4 stars). 2 submissions from 2 submitters: Uncertain significance (1); Benign (1). Last evaluated 2023-04-17.

Conditions:
Ehlers-Danlos syndrome, classic type, 1 (EDSCL1). Also called: Ehlers-Danlos syndrome, type 1; Ehlers-Danlos Syndrome, Classic Type, COL5A1-Related; EDS I; EHLERS-DANLOS SYNDROME, GRAVIS TYPE; EHLERS-DANLOS SYNDROME, SEVERE CLASSIC TYPE. Identifiers: MedGen C0268335, MONDO:0019567, OMIM 130000.

Allele frequency attached by ClinVar (database versions not stated): gnomAD exomes 0.00002 and 0.00004.
gnomAD v4.1: 9 of 1,551,716 alleles (0.00058%); highest among the groups gnomAD compares: Admixed American, 0.016%; no homozygotes.

Submissions (2):

GeneDx
Classification: Uncertain significance. Last evaluated: 2023-04-17. Review status: criteria provided, single submitter. Criteria: GeneDx Variant Classification Process June 2021. Collection method: clinical testing. Allele origin: germline. Affected: yes.
Comment: Has not been previously published as pathogenic or benign to our knowledge; In silico analysis supports that this missense variant has a deleterious effect on protein structure/function

Labcorp Genetics (formerly Invitae), Labcorp
Classification: Benign for Ehlers-Danlos syndrome, classic type, 1. Last evaluated: 2022-10-19. Review status: criteria provided, single submitter. Criteria: Invitae Variant Classification Sherloc (09022015). Collection method: clinical testing. Allele origin: germline.